The following is an entry in ClinVar:

NM_000038.6(APC):c.726A>G (p.Ala242=)

Gene: APC (APC regulator of Wnt signaling pathway; plus strand). Cytogenetic location: 5q22.2.
Variant type: single nucleotide variant.
Coding change: c.726A>G on transcript NM_000038.6 (MANE Select); coding-DNA position 726, A replaced by G.
Protein change: p.Ala242=; no amino-acid change (alanine 242 retained).
Molecular consequence: synonymous variant. On other transcripts: 5 prime UTR variant (1), intron variant (2).
Genome position (GRCh38, 1-based): chr5:112,792,526, A>G. VCF-style: chr5-112792526-A-G. GRCh37 (hg19) VCF-style: chr5-112128223-A-G.
Other names: c.726A>G, p.Ala242= (NM_001127510.3, NM_001354895.2, NM_001354896.2 and 1 more transcripts); c.756A>G, p.Ala252= (NM_001354897.2, NM_001354902.2); c.651A>G, p.Ala217= (NM_001354898.2, NM_001354904.2); c.549A>G, p.Ala183= (NM_001354900.2, NM_001354901.2, NM_001354905.2); c.-310A>G (NM_001354906.2); c.676-8753A>G (NM_001127511.3); c.646-8753A>G (NM_001354899.2).
Identifiers: ClinVar variation 826940 (VCV000826940.16), dbSNP rs1580424505, ClinGen allele CA445755594.

ClinVar aggregate classification (germline): Conflicting classifications of pathogenicity. Review status: criteria provided, conflicting classifications (1 of 4 stars). 5 submissions from 5 submitters: Uncertain significance (1); Benign (1); Likely benign (3). Last evaluated 2025-05-27.

Conditions:
Hereditary cancer-predisposing syndrome. Also called: Neoplastic Syndromes, Hereditary; Tumor predisposition; Hereditary neoplastic syndrome; Hereditary Cancer Syndrome. Identifiers: Orphanet 140162, MedGen C0027672, MeSH D009386, MONDO:0015356.
Familial adenomatous polyposis 1 (FAP1). Also called: POLYPOSIS, ADENOMATOUS INTESTINAL; FAMILIAL ADENOMATOUS POLYPOSIS 1, ATTENUATED. Identifiers: MedGen C2713442, MONDO:0021056, OMIM 175100. Disease mechanism: loss of function.

Submissions (5):

GeneDx
Classification: Uncertain significance. Last evaluated: 2025-05-27. Review status: criteria provided, single submitter. Criteria: GeneDx Variant Classification Process June 2021. Collection method: clinical testing. Allele origin: germline. Affected: yes.
Comment: Not observed at significant frequency in large population cohorts (gnomAD); In silico analysis suggests that this variant does not alter splicing; Has not been previously published as pathogenic or benign to our knowledge

Color Diagnostics, LLC DBA Color Health
Classification: Likely benign for Hereditary cancer-predisposing syndrome. Last evaluated: 2025-02-16. Review status: criteria provided, single submitter. Criteria: ACMG Guidelines, 2015. Collection method: clinical testing. Allele origin: germline.

Myriad Genetics, Inc.
Classification: Benign for Familial adenomatous polyposis 1. Last evaluated: 2024-02-26. Review status: criteria provided, single submitter. Criteria: Myriad Autosomal Dominant, Autosomal Recessive and X-Linked Classification Criteria (2023). Collection method: clinical testing. Allele origin: unknown.
Comment: This variant is considered benign. This variant is a silent/synonymous amino acid change and it is not expected to impact splicing.

Labcorp Genetics (formerly Invitae), Labcorp
Classification: Likely benign for Familial adenomatous polyposis 1. Last evaluated: 2023-12-06. Review status: criteria provided, single submitter. Criteria: Invitae Variant Classification Sherloc (09022015). Collection method: clinical testing. Allele origin: germline.

Ambry Genetics
Classification: Likely benign for Hereditary cancer-predisposing syndrome. Last evaluated: 2019-08-30. Review status: criteria provided, single submitter. Criteria: Ambry Variant Classification Scheme 2023. Collection method: clinical testing. Allele origin: germline.